The following is an entry in ClinVar:

NM_001853.4(COL9A3):c.874G>A (p.Gly292Arg)

Gene: COL9A3 (collagen type IX alpha 3 chain; plus strand). Cytogenetic location: 20q13.33.
Variant type: single nucleotide variant.
Coding change: c.874G>A on transcript NM_001853.4 (MANE Select); coding-DNA position 874, G replaced by A.
Protein change: p.Gly292Arg; replaces glycine 292 with arginine.
Molecular consequence: missense variant.
Genome position (GRCh38, 1-based): chr20:62,827,950, G>A. VCF-style: chr20-62827950-G-A. GRCh37 (hg19) VCF-style: chr20-61459302-G-A.
Other names: c.874G>A (NM_001853.3); short protein forms G292R.
Identifiers: ClinVar variation 1400015 (VCV001400015.11), dbSNP rs768224094, ClinGen allele CA9949570.

ClinVar aggregate classification (germline): Uncertain significance. Review status: criteria provided, multiple submitters, no conflicts (2 of 4 stars). 3 submissions from 3 submitters: Uncertain significance (3). Last evaluated 2025-02-19.

Conditions:
Inborn genetic diseases. Identifiers: MedGen C0950123, MeSH D030342.

Allele frequency attached by ClinVar (database versions not stated): gnomAD 0.00001; TOPMed 0.00002; gnomAD exomes 0.00003; ExAC 0.00004.
gnomAD v4.1: 42 of 1,612,860 alleles (0.0026%); highest among the groups gnomAD compares: Middle Eastern, 0.016%; no homozygotes.

Submissions (3):

Ambry Genetics
Classification: Uncertain significance for Inborn genetic diseases. Last evaluated: 2025-02-19. Review status: criteria provided, single submitter. Criteria: Ambry Variant Classification Scheme 2023. Collection method: clinical testing. Allele origin: germline.

Labcorp Genetics (formerly Invitae), Labcorp
Classification: Uncertain significance. Last evaluated: 2024-04-15. Review status: criteria provided, single submitter. Criteria: Invitae Variant Classification Sherloc (09022015). Collection method: clinical testing. Allele origin: germline.
Comment: This sequence change replaces glycine, which is neutral and non-polar, with arginine, which is basic and polar, at codon 292 of the COL9A3 protein (p.Gly292Arg). This variant is present in population databases (rs768224094, gnomAD 0.006%). This variant has not been reported in the literature in individuals affected with COL9A3-related conditions. ClinVar contains an entry for this variant (Variation ID: 1400015). Advanced modeling of protein sequence and biophysical properties (such as structural, functional, and spatial information, amino acid conservation, physicochemical variation, residue mobility, and thermodynamic stability) performed at Invitae indicates that this missense variant is expected to disrupt COL9A3 protein function with a positive predictive value of 95%. In summary, the available evidence is currently insufficient to determine the role of this variant in disease. Therefore, it has been classified as a Variant of Uncertain Significance.

Revvity Omics, Revvity
Classification: Uncertain significance. Last evaluated: 2019-03-21. Review status: criteria provided, single submitter. Criteria: ACMG Guidelines, 2015. Collection method: clinical testing. Allele origin: germline.